The following is an entry in ClinVar:

ClinVar aggregate classification (germline): Uncertain significance. Review status: criteria provided, multiple submitters, no conflicts (2 of 4 stars). 2 submissions from 2 submitters: Uncertain significance (2). Last evaluated 2024-11-16.

gnomAD v4.1: 3 of 1,611,318 alleles (0.00019%); highest among the groups gnomAD compares: Admixed American, 0.005%; no homozygotes.

Submissions (2):

Labcorp Genetics (formerly Invitae), Labcorp
Classification: Uncertain significance. Last evaluated: 2024-11-16. Review status: criteria provided, single submitter. Criteria: Invitae Variant Classification Sherloc (09022015). Collection method: clinical testing. Allele origin: germline.
Comment: This sequence change replaces proline, which is neutral and non-polar, with arginine, which is basic and polar, at codon 1856 of the DCHS1 protein (p.Pro1856Arg). This variant is present in population databases (no rsID available, gnomAD 0.006%). This variant has not been reported in the literature in individuals affected with DCHS1-related conditions. Invitae Evidence Modeling of protein sequence and biophysical properties (such as structural, functional, and spatial information, amino acid conservation, physicochemical variation, residue mobility, and thermodynamic stability) indicates that this missense variant is expected to disrupt DCHS1 protein function with a positive predictive value of 80%. In summary, the available evidence is currently insufficient to determine the role of this variant in disease. Therefore, it has been classified as a Variant of Uncertain Significance.

GeneDx
Classification: Uncertain significance. Last evaluated: 2023-07-19. Review status: criteria provided, single submitter. Criteria: GeneDx Variant Classification Process June 2021. Collection method: clinical testing. Allele origin: germline. Affected: yes.
Comment: Not observed at significant frequency in large population cohorts (gnomAD); In silico analysis supports that this missense variant has a deleterious effect on protein structure/function; Has not been previously published as pathogenic or benign to our knowledge

NM_003737.4(DCHS1):c.5567C>G (p.Pro1856Arg)

Gene: DCHS1 (dachsous cadherin-related 1; minus strand). Cytogenetic location: 11p15.4.
Variant type: single nucleotide variant.
Coding change: c.5567C>G on transcript NM_003737.4 (MANE Select); coding-DNA position 5567, C replaced by G.
Protein change: p.Pro1856Arg; replaces proline 1856 with arginine.
Molecular consequence: missense variant.
Genome position (GRCh38, 1-based): chr11:6,627,472, G>C on the plus strand (C>G on the coding strand, the complement: DCHS1 is on the minus strand). VCF-style: chr11-6627472-G-C. GRCh37 (hg19) VCF-style: chr11-6648703-G-C.
Other names: short protein forms P1856R.
Identifiers: ClinVar variation 3340365 (VCV003340365.3).
Genomic context (GRCh38, chr11:6,627,472, plus strand): 5'-TGCAGCAGCAGGGTCCCTGCAGGCACATCCTCCGGCACCTCCACCGAGTAGGCAGGCACA[G>C]GAAAGGCTGGAGCATGGTCATTGGCATCCAGCACTGTCACTGTCAAAAGCAGCGTGGCAC-3'
Protein context (NP_003728.1, residues 1846-1866): LDANDHAPAF[Pro1856Arg]VPAYSVEVPE